The following is an entry in ClinVar:

NM_000138.5(FBN1):c.4332T>G (p.Cys1444Trp)

Genes: FBN1 (fibrillin 1; minus strand), LOC126862124 (CDK7 strongly-dependent group 2 enhancer GRCh37_chr15:48764566-48765765; plus strand). Cytogenetic location: 15q21.1.
Variant type: single nucleotide variant.
Coding change: c.4332T>G on transcript NM_000138.5 (MANE Select); coding-DNA position 4332, T replaced by G.
Protein change: p.Cys1444Trp; replaces cysteine 1444 with tryptophan.
Molecular consequence: missense variant.
Genome position (GRCh38, 1-based): chr15:48,472,555, A>C on the plus strand (T>G on the coding strand, the complement: FBN1 is on the minus strand). VCF-style: chr15-48472555-A-C. GRCh37 (hg19) VCF-style: chr15-48764752-A-C.
Other names: short protein forms C1444W.
Identifiers: ClinVar variation 1380215 (VCV001380215.8), dbSNP rs2141277826, ClinGen allele CA392317538.

ClinVar aggregate classification (germline): Pathogenic (1 of 4 stars; one submission).

Conditions:
Marfan syndrome (MFS). Also called: Marfan syndrome type 1; Marfan's syndrome; FBN1-Related Marfan Syndrome; MARFAN SYNDROME, TYPE I; Marfan syndrome, classic. Identifiers: Orphanet 284963, Orphanet 558, MedGen C0024796, MONDO:0007947, OMIM 154700.
Familial thoracic aortic aneurysm and aortic dissection (TAAD). Also called: Thoracic aortic aneurysms and dissections. Identifiers: Orphanet 91387, MedGen C4707243, MONDO:0019625.

Submission:

Labcorp Genetics (formerly Invitae), Labcorp
Classification: Pathogenic for Marfan syndrome; Familial thoracic aortic aneurysm and aortic dissection. Last evaluated: 2021-05-05. Review status: criteria provided, single submitter. Criteria: Invitae Variant Classification Sherloc (09022015). Collection method: clinical testing. Allele origin: germline.
Comment: This variant disrupts the p.Cys1444 amino acid residue in FBN1. Other variant(s) that disrupt this residue have been observed in individuals with FBN1-related conditions (PMID: 31098894, Invitae), which suggests that this may be a clinically significant amino acid residue. For these reasons, this variant has been classified as Pathogenic. This variant affects a cysteine residue in the EGF-like, TGFBP or hybrid motif domains of FBN1. Cysteine residues are believed to be involved in intramolecular disulfide bridges and have been shown to be important for FBN1 protein structure (PMID: 16905551, 19349279). In addition, missense substitutions affecting cysteine residues within these domains are significantly overrepresented among patients with Marfan syndrome (PMID: 16571647, 17701892). Advanced modeling of protein sequence and biophysical properties (such as structural, functional, and spatial information, amino acid conservation, physicochemical variation, residue mobility, and thermodynamic stability) performed at Invitae indicates that this missense variant is expected to disrupt FBN1 protein function. This variant has been observed in individual(s) with clinical features of FBN1-related conditions (Invitae). This variant is not present in population databases (ExAC no frequency). This sequence change replaces cysteine with tryptophan at codon 1444 of the FBN1 protein (p.Cys1444Trp). The cysteine residue is highly conserved and there is a large physicochemical difference between cysteine and tryptophan.

Literature cited by the submitters: PubMed 31098894; PubMed 16905551; PubMed 19349279; PubMed 16571647; PubMed 17701892.